The following is an entry in ClinVar:

ClinVar aggregate classification (germline): Uncertain significance. Review status: criteria provided, multiple submitters, no conflicts (2 of 4 stars). 2 submissions from 2 submitters: Uncertain significance (2). Last evaluated 2025-03-23.

Conditions:
Hypertrophic cardiomyopathy 14. Identifiers: MedGen C2750467, MONDO:0013197, OMIM 613251.
Cardiovascular phenotype. Identifiers: MedGen CN230736.

Allele frequency attached by ClinVar (database versions not stated): gnomAD exomes below 0.00001 and 0.00001; gnomAD 0.00002; TOPMed 0.00002.

Submissions (2):

Ambry Genetics
Classification: Uncertain significance for Cardiovascular phenotype. Last evaluated: 2025-03-23. Review status: criteria provided, single submitter. Criteria: Ambry Variant Classification Scheme 2023. Collection method: clinical testing. Allele origin: germline.
Comment: The p.T1762M variant (also known as c.5285C>T), located in coding exon 33 of the MYH6 gene, results from a C to T substitution at nucleotide position 5285. The threonine at codon 1762 is replaced by methionine, an amino acid with similar properties. This amino acid position is highly conserved in available vertebrate species. In addition, this alteration is predicted to be deleterious by in silico analysis. Since supporting evidence is limited at this time, the clinical significance of this alteration remains unclear.

Labcorp Genetics (formerly Invitae), Labcorp
Classification: Uncertain significance for Hypertrophic cardiomyopathy 14. Last evaluated: 2023-11-17. Review status: criteria provided, single submitter. Criteria: Invitae Variant Classification Sherloc (09022015). Collection method: clinical testing. Allele origin: germline.
Comment: This sequence change replaces threonine, which is neutral and polar, with methionine, which is neutral and non-polar, at codon 1762 of the MYH6 protein (p.Thr1762Met). This variant is present in population databases (no rsID available, gnomAD 0.003%). This variant has not been reported in the literature in individuals affected with MYH6-related conditions. ClinVar contains an entry for this variant (Variation ID: 1490164). Advanced modeling of protein sequence and biophysical properties (such as structural, functional, and spatial information, amino acid conservation, physicochemical variation, residue mobility, and thermodynamic stability) performed at Invitae indicates that this missense variant is not expected to disrupt MYH6 protein function with a negative predictive value of 80%. In summary, the available evidence is currently insufficient to determine the role of this variant in disease. Therefore, it has been classified as a Variant of Uncertain Significance.

NM_002471.4(MYH6):c.5285C>T (p.Thr1762Met)

Gene: MYH6 (myosin heavy chain 6; minus strand). Cytogenetic location: 14q11.2.
Variant type: single nucleotide variant.
Coding change: c.5285C>T on transcript NM_002471.4 (MANE Select); coding-DNA position 5285, C replaced by T.
Protein change: p.Thr1762Met; replaces threonine 1762 with methionine.
Molecular consequence: missense variant.
Genome position (GRCh38, 1-based): chr14:23,384,920, G>A on the plus strand (C>T on the coding strand, the complement: MYH6 is on the minus strand). VCF-style: chr14-23384920-G-A. GRCh37 (hg19) VCF-style: chr14-23854129-G-A.
Other names: short protein forms T1762M.
Identifiers: ClinVar variation 1490164 (VCV001490164.12), dbSNP rs917672791, ClinGen allele CA257777653.